The following is an entry in ClinVar:

ClinVar aggregate classification (germline): Likely pathogenic. Review status: criteria provided, multiple submitters, no conflicts (2 of 4 stars). 4 submissions from 4 submitters: Likely pathogenic (3). 1 of the submissions does not count toward it. Last evaluated 2025-03-21.

Conditions:
Mucopolysaccharidosis, MPS-III-B (MPS3B). Also called: MPS III B; MUCOPOLYSACCHARIDOSIS, TYPE IIIB; N-ACETYL-ALPHA-D-GLUCOSAMINIDASE DEFICIENCY; NAGLU DEFICIENCY; SANFILIPPO SYNDROME B; Mucopolysaccharidosis type IIIB (Sanfilippo B). Identifiers: Orphanet 79270, MedGen C0086648, MONDO:0009656, OMIM 252920.
Charcot-Marie-Tooth disease axonal type 2V. Also called: CHARCOT-MARIE-TOOTH NEUROPATHY, TYPE 2V; CHARCOT-MARIE-TOOTH DISEASE, AXONAL, AUTOSOMAL DOMINANT, TYPE 2V. Identifiers: Orphanet 447964, MedGen C5569050, MONDO:0014665, OMIM 616491.

Allele frequency attached by ClinVar (database versions not stated): TOPMed 0.00002.
gnomAD v4.1: 3 of 1,614,216 alleles (0.00019%); highest among the groups gnomAD compares: Non-Finnish European, 0.00017%; no homozygotes.

Submissions (4):

Natera, Inc.
Classification: Likely pathogenic for Mucopolysaccharidosis type IIIB. Last evaluated: 2025-03-21. Review status: criteria provided, single submitter. Criteria: Natera Variant Classification Schema (03/2026). Collection method: clinical testing. Allele origin: germline.
Comment: The c.461T>G variant in NAGLU is a missense variant predicted to cause substitution of isoleucine to arginine at amino acid 154. This variant is rare in the general population with a frequency below the threshold expected for the associated phenotype(s). Functional studies show that this variant may disrupt protein function (PMID: 29979746). A different variant at the same position has been determined to be Pathogenic or Likely Pathogenic. Computational prediction algorithms indicate this variant is likely to affect gene or protein function. Given the available evidence, this variant is classified as Likely Pathogenic.

Labcorp Genetics (formerly Invitae), Labcorp
Classification: Likely pathogenic for Charcot-Marie-Tooth disease axonal type 2V; Mucopolysaccharidosis, MPS-III-B. Last evaluated: 2024-04-25. Review status: criteria provided, single submitter. Criteria: Invitae Variant Classification Sherloc (09022015). Collection method: clinical testing. Allele origin: germline.
Comment: This sequence change replaces isoleucine, which is neutral and non-polar, with arginine, which is basic and polar, at codon 154 of the NAGLU protein (p.Ile154Arg). This variant is present in population databases (rs770684838, gnomAD 0.006%). This missense change has been observed in individual(s) with mucopolysaccharidosis type IIIB (PMID: 11836372, 30070758). ClinVar contains an entry for this variant (Variation ID: 558352). Advanced modeling of protein sequence and biophysical properties (such as structural, functional, and spatial information, amino acid conservation, physicochemical variation, residue mobility, and thermodynamic stability) performed at Invitae indicates that this missense variant is expected to disrupt NAGLU protein function with a positive predictive value of 95%. Experimental studies have shown that this missense change affects NAGLU function (PMID: 11836372, 29979746). In summary, the currently available evidence indicates that the variant is pathogenic, but additional data are needed to prove that conclusively. Therefore, this variant has been classified as Likely Pathogenic.

Women's Health and Genetics/Laboratory Corporation of America, LabCorp
Classification: Likely pathogenic for Mucopolysaccharidosis, MPS-III-B. Last evaluated: 2023-08-25. Review status: criteria provided, single submitter. Criteria: LabCorp Variant Classification Summary - May 2015. Collection method: clinical testing. Allele origin: germline.
Comment: Variant summary: NAGLU c.461T>G (p.Ile154Arg) results in a non-conservative amino acid change located in the Alpha-N-acetylglucosaminidase, tim-barrel domain (IPR024240) of the encoded protein sequence. Five of five in-silico tools predict a damaging effect of the variant on protein function. The variant allele was found at a frequency of 4e-06 in 251392 control chromosomes. c.461T>G has been reported in the literature in individuals affected with Mucopolysaccharidosis Type IIIB (Sanfilippo Syndrome B) (Lee-Chen_2002, Lin_2018). These data indicate that the variant may be associated with disease. At least one publication reports experimental evidence evaluating an impact on protein function indicating a severe decrease in enzyme activity when compared to Wildtype (Clark_2018, Lee-Chen_2002). The following publications have been ascertained in the context of this evaluation (PMID: 30070758, 29979746, 11836372). Two submitters have cited clinical-significance assessments for this variant to ClinVar after 2014. One submitter classified the variant as likey pathogenic, and one submitter classified the variant as uncertain significance. Based on the evidence outlined above, the variant was classified as likely pathogenic.

Counsyl
Classification: Uncertain significance for Mucopolysaccharidosis, MPS-III-B. Last evaluated: 2018-05-15. Review status: no assertion criteria provided. Collection method: clinical testing. Allele origin: unknown. Not counted in ClinVar's aggregate classification.

Literature cited by the submitters: PubMed 29979746 (cited by 3 submitters); PubMed 11836372 (cited by 3 submitters); PubMed 30070758 (cited by Labcorp Genetics (formerly Invitae), Labcorp and Women's Health and Genetics/Laboratory Corporation of America, LabCorp).

NM_000263.4(NAGLU):c.461T>G (p.Ile154Arg)

Gene: NAGLU (N-acetyl-alpha-glucosaminidase; plus strand). Cytogenetic location: 17q21.2.
Variant type: single nucleotide variant.
Coding change: c.461T>G on transcript NM_000263.4 (MANE Select); coding-DNA position 461, T replaced by G.
Protein change: p.Ile154Arg; replaces isoleucine 154 with arginine.
Molecular consequence: missense variant.
Genome position (GRCh38, 1-based): chr17:42,537,475, T>G. VCF-style: chr17-42537475-T-G. GRCh37 (hg19) VCF-style: chr17-40689493-T-G.
Other names: short protein forms I154R.
Identifiers: ClinVar variation 558352 (VCV000558352.11), dbSNP rs770684838, ClinGen allele CA8576770.